The following is an entry in ClinVar:

ClinVar aggregate classification (germline): Uncertain significance (1 of 4 stars; one submission).

Conditions:
Werner syndrome (WRN). Identifiers: Orphanet 902, MedGen C0043119, MONDO:0010196, OMIM 277700.

gnomAD v4.1: 1 of 1,613,790 alleles (0.000062%); highest among the groups gnomAD compares: Non-Finnish European, 0.000085%; no homozygotes.

Submission:

Labcorp Genetics (formerly Invitae), Labcorp
Classification: Uncertain significance for Werner syndrome. Last evaluated: 2023-07-19. Review status: criteria provided, single submitter. Criteria: Invitae Variant Classification Sherloc (09022015). Collection method: clinical testing. Allele origin: germline.
Comment: This sequence change replaces tryptophan, which is neutral and slightly polar, with cysteine, which is neutral and slightly polar, at codon 175 of the WRN protein (p.Trp175Cys). This variant is not present in population databases (gnomAD no frequency). This variant has not been reported in the literature in individuals affected with WRN-related conditions. An algorithm developed to predict the effect of missense changes on protein structure and function (PolyPhen-2) suggests that this variant is likely to be disruptive. In summary, the available evidence is currently insufficient to determine the role of this variant in disease. Therefore, it has been classified as a Variant of Uncertain Significance.

NM_000553.6(WRN):c.525G>C (p.Trp175Cys)

Gene: WRN (WRN RecQ like helicase; plus strand). Cytogenetic location: 8p12.
Variant type: single nucleotide variant.
Coding change: c.525G>C on transcript NM_000553.6 (MANE Select); coding-DNA position 525, G replaced by C.
Protein change: p.Trp175Cys; replaces tryptophan 175 with cysteine.
Molecular consequence: missense variant.
Genome position (GRCh38, 1-based): chr8:31,067,053, G>C. VCF-style: chr8-31067053-G-C. GRCh37 (hg19) VCF-style: chr8-30924569-G-C.
Other names: short protein forms W175C.
Identifiers: ClinVar variation 2800314 (VCV002800314.3), dbSNP rs1388763934, ClinGen allele CA370915915.